The following is an entry in ClinVar:

ClinVar aggregate classification (germline): Uncertain significance. Review status: criteria provided, multiple submitters, no conflicts (2 of 4 stars). 2 submissions from 2 submitters: Uncertain significance (2). Last evaluated 2024-09-04.

Conditions:
Inborn genetic diseases. Identifiers: MedGen C0950123, MeSH D030342.

gnomAD v4.1: 98 of 1,612,868 alleles (0.0061%); highest among the groups gnomAD compares: Non-Finnish European, 0.0082%; no homozygotes.

Submissions (2):

Ambry Genetics
Classification: Uncertain significance for Inborn genetic diseases. Last evaluated: 2024-09-04. Review status: criteria provided, single submitter. Criteria: Ambry Variant Classification Scheme 2023. Collection method: clinical testing. Allele origin: germline.

Mayo Clinic Laboratories, Mayo Clinic
Classification: Uncertain significance. Last evaluated: 2023-07-25. Review status: criteria provided, single submitter. Criteria: ACMG Guidelines, 2015. Collection method: clinical testing. Allele origin: germline. Observed: 1 variant allele.
Comment: BP4

NM_198565.3(NRROS):c.520G>A (p.Asp174Asn)

Gene: NRROS (negative regulator of reactive oxygen species; plus strand). Cytogenetic location: 3q29.
Variant type: single nucleotide variant.
Coding change: c.520G>A on transcript NM_198565.3 (MANE Select); coding-DNA position 520, G replaced by A.
Protein change: p.Asp174Asn; replaces aspartic acid 174 with asparagine.
Molecular consequence: missense variant.
Genome position (GRCh38, 1-based): chr3:196,660,163, G>A. VCF-style: chr3-196660163-G-A. GRCh37 (hg19) VCF-style: chr3-196387034-G-A.
Other names: p.Asp174Asn; c.520G>A (NM_198565.1); short protein forms D174N.
Identifiers: ClinVar variation 3379526 (VCV003379526.2).